The following is an entry in ClinVar:

ClinVar aggregate classification (germline): Uncertain significance (1 of 4 stars; one submission).

Conditions:
Saldino-Mainzer syndrome (SRTD9). Also called: CONORENAL SYNDROME; Renal dysplasia, retinal pigmentary dystrophy, cerebellar ataxia and skeletal dysplasia; SHORT-RIB THORACIC DYSPLASIA 9 WITHOUT POLYDACTYLY; short-rib thoracic dysplasia 9 with or without polydactyly. Identifiers: Orphanet 140969, MedGen C1849437, MONDO:0009964, OMIM 266920.

Submission:

Labcorp Genetics (formerly Invitae), Labcorp
Classification: Uncertain significance for Saldino-Mainzer syndrome. Last evaluated: 2022-09-19. Review status: criteria provided, single submitter. Criteria: Invitae Variant Classification Sherloc (09022015). Collection method: clinical testing. Allele origin: germline.
Comment: This variant is not present in population databases (gnomAD no frequency). In summary, the available evidence is currently insufficient to determine the role of this variant in disease. Therefore, it has been classified as a Variant of Uncertain Significance. Advanced modeling of protein sequence and biophysical properties (such as structural, functional, and spatial information, amino acid conservation, physicochemical variation, residue mobility, and thermodynamic stability) performed at Invitae indicates that this missense variant is not expected to disrupt IFT140 protein function. ClinVar contains an entry for this variant (Variation ID: 1395033). This variant has not been reported in the literature in individuals affected with IFT140-related conditions. This sequence change replaces tyrosine, which is neutral and polar, with cysteine, which is neutral and slightly polar, at codon 646 of the IFT140 protein (p.Tyr646Cys).

NM_014714.4(IFT140):c.1937A>G (p.Tyr646Cys)

Gene: IFT140 (intraflagellar transport 140; minus strand). Cytogenetic location: 16p13.3.
Variant type: single nucleotide variant.
Coding change: c.1937A>G on transcript NM_014714.4 (MANE Select); coding-DNA position 1937, A replaced by G.
Protein change: p.Tyr646Cys; replaces tyrosine 646 with cysteine.
Molecular consequence: missense variant.
Genome position (GRCh38, 1-based): chr16:1,564,127, T>C on the plus strand (A>G on the coding strand, the complement: IFT140 is on the minus strand). VCF-style: chr16-1564127-T-C. GRCh37 (hg19) VCF-style: chr16-1614128-T-C.
Other names: short protein forms Y646C.
Identifiers: ClinVar variation 1395033 (VCV001395033.4), dbSNP rs762218450, ClinGen allele CA394205032.